The following is an entry in ClinVar:

ClinVar aggregate classification (germline): Pathogenic (1 of 4 stars; one submission).

Conditions:
Developmental and epileptic encephalopathy, 34 (DEE34). Also called: Early infantile epileptic encephalopathy 34; SLC12A5-Related Epilepsy of Infancy with Migrating Focal Seizures. Identifiers: Orphanet 293181, MedGen C4225257, MONDO:0014718, OMIM 616645.

Submission:

Labcorp Genetics (formerly Invitae), Labcorp
Classification: Pathogenic for Developmental and epileptic encephalopathy, 34. Last evaluated: 2022-10-14. Review status: criteria provided, single submitter. Criteria: Invitae Variant Classification Sherloc (09022015). Collection method: clinical testing. Allele origin: germline.
Comment: For these reasons, this variant has been classified as Pathogenic. Algorithms developed to predict the effect of sequence changes on RNA splicing suggest that this variant may disrupt the consensus splice site. ClinVar contains an entry for this variant (Variation ID: 1400790). This variant has not been reported in the literature in individuals affected with SLC12A5-related conditions. This variant is not present in population databases (gnomAD no frequency). This sequence change creates a premature translational stop signal (p.Lys630*) in the SLC12A5 gene. It is expected to result in an absent or disrupted protein product. Loss-of-function variants in SLC12A5 are known to be pathogenic (PMID: 26333769, 27436767).

Literature cited by the submitters: PubMed 26333769; PubMed 27436767.

NM_020708.5(SLC12A5):c.1888A>T (p.Lys630Ter)

Gene: SLC12A5 (solute carrier family 12 member 5; plus strand). Cytogenetic location: 20q13.12.
Variant type: single nucleotide variant.
Coding change: c.1888A>T on transcript NM_020708.5 (MANE Select); coding-DNA position 1888, A replaced by T.
Protein change: p.Lys630Ter; replaces lysine 630 with a stop codon.
Molecular consequence: nonsense.
Genome position (GRCh38, 1-based): chr20:46,047,554, A>T. VCF-style: chr20-46047554-A-T. GRCh37 (hg19) VCF-style: chr20-44676193-A-T.
Other names: c.1957A>T, p.Lys653Ter (NM_001134771.2); short protein forms K630*, K653*.
Identifiers: ClinVar variation 1400790 (VCV001400790.6), dbSNP rs2145496726, ClinGen allele CA409199717.